The following is an entry in ClinVar:

ClinVar aggregate classification (germline): Likely pathogenic. Review status: criteria provided, multiple submitters, no conflicts (2 of 4 stars). 3 submissions from 3 submitters: Likely pathogenic (2). 1 of the submissions does not count toward it. Last evaluated 2026-01-20.

Conditions:
Cohen syndrome (COH1). Also called: Cutis verticis gyrata, retinitis pigmentosa, and sensorineural deafness; PEPPER SYNDROME. Identifiers: Orphanet 193, MedGen C0265223, MONDO:0008999, OMIM 216550.
VPS13B-related disorder. Also called: VPS13B-related condition.

gnomAD v4.1: 6 of 1,608,212 alleles (0.00037%); highest among the groups gnomAD compares: Non-Finnish European, 0.00051%; no homozygotes.

Submissions (3):

Labcorp Genetics (formerly Invitae), Labcorp
Classification: Likely pathogenic for Cohen syndrome. Last evaluated: 2026-01-20. Review status: criteria provided, single submitter. Criteria: Invitae Variant Classification Sherloc (09022015). Collection method: clinical testing. Allele origin: germline.
Comment: This sequence change affects a donor splice site in intron 19 of the VPS13B gene. It is expected to disrupt RNA splicing. Variants that disrupt the donor or acceptor splice site typically lead to a loss of protein function (PMID: 16199547), and loss-of-function variants in VPS13B are known to be pathogenic (PMID: 15141358, 16648375, 20461111). This variant is present in population databases (rs141703746, gnomAD 0.002%). This variant has not been reported in the literature in individuals affected with VPS13B-related conditions. ClinVar contains an entry for this variant (Variation ID: 1066583). Algorithms developed to predict the effect of sequence changes on RNA splicing suggest that this variant may disrupt the consensus splice site. In summary, the currently available evidence indicates that the variant is pathogenic, but additional data are needed to prove that conclusively. Therefore, this variant has been classified as Likely Pathogenic.

PreventionGenetics, part of Exact Sciences
Classification: Likely pathogenic for VPS13B-related condition. Last evaluated: 2025-10-28. Review status: criteria provided, single submitter. Criteria: ACMG Guidelines, 2015. Collection method: clinical testing. Allele origin: germline.
Comment: The VPS13B c.2824+2T>G variant is predicted to disrupt the GT donor site and interfere with normal splicing. IF PRESENT WITH c.4246C>T (p.1416*): To our knowledge, this variant has not been reported in the literature. This variant is reported in 0.0026% of alleles in individuals of European (non-Finnish) descent in gnomAD. Variants that disrupt the consensus splice donor site in VPS13B are expected to be pathogenic. This variant is interpreted as pathogenic. Note that this variant is suspected to exist as part of a haplotype (in cis) with the c.4246C>T (p.1416*) variant in certain populations (internal data).

Natera, Inc.
Classification: Likely pathogenic for Cohen syndrome. Last evaluated: 2021-06-09. Review status: no assertion criteria provided. Collection method: clinical testing. Allele origin: germline. Not counted in ClinVar's aggregate classification.

Literature cited by the submitters: PubMed 16199547 (cited by Labcorp Genetics (formerly Invitae), Labcorp); PubMed 15141358 (cited by Labcorp Genetics (formerly Invitae), Labcorp); PubMed 16648375 (cited by Labcorp Genetics (formerly Invitae), Labcorp); PubMed 20461111 (cited by Labcorp Genetics (formerly Invitae), Labcorp).

NM_152564.5(VPS13B):c.2824+2T>G

Gene: VPS13B (vacuolar protein sorting 13 homolog B; plus strand). Cytogenetic location: 8q22.2.
Variant type: single nucleotide variant.
Coding change: c.2824+2T>G on transcript NM_152564.5 (MANE Select); the canonical splice donor site of the intron after coding-DNA position 2824, T replaced by G.
Molecular consequence: splice donor variant.
Genome position (GRCh38, 1-based): chr8:99,275,256, T>G. VCF-style: chr8-99275256-T-G. GRCh37 (hg19) VCF-style: chr8-100287484-T-G.
Other names: c.2824+2T>G (NM_017890.5, NM_017890.4).
Identifiers: ClinVar variation 1066583 (VCV001066583.12), dbSNP rs141703746, ClinGen allele CA4823029.